The following is an entry in ClinVar:

NM_004369.4(COL6A3):c.7540T>C (p.Phe2514Leu)

Gene: COL6A3 (collagen type VI alpha 3 chain; minus strand). Cytogenetic location: 2q37.3.
Variant type: single nucleotide variant.
Coding change: c.7540T>C on transcript NM_004369.4 (MANE Select); coding-DNA position 7540, T replaced by C.
Protein change: p.Phe2514Leu; replaces phenylalanine 2514 with leucine.
Molecular consequence: missense variant.
Genome position (GRCh38, 1-based): chr2:237,344,478, A>G on the plus strand (T>C on the coding strand, the complement: COL6A3 is on the minus strand). VCF-style: chr2-237344478-A-G. GRCh37 (hg19) VCF-style: chr2-238253121-A-G.
Other names: c.5719T>C, p.Phe1907Leu (NM_057166.5); c.6922T>C, p.Phe2308Leu (NM_057167.4); short protein forms F2308L, F1907L, F2514L.
Identifiers: ClinVar variation 3665252 (VCV003665252.2).

ClinVar aggregate classification (germline): Uncertain significance (1 of 4 stars; one submission).

Conditions:
Bethlem myopathy 1A. Also called: MYOPATHY, BENIGN CONGENITAL, WITH CONTRACTURES; Bethlem myopathy 1; Bethlem Muscular Dystrophy. Identifiers: Orphanet 610, MedGen CN029274, MONDO:0024530, OMIM 158810.

Submission:

Labcorp Genetics (formerly Invitae), Labcorp
Classification: Uncertain significance for Bethlem myopathy 1A. Last evaluated: 2024-11-27. Review status: criteria provided, single submitter. Criteria: Invitae Variant Classification Sherloc (09022015). Collection method: clinical testing. Allele origin: germline.
Comment: This sequence change replaces phenylalanine, which is neutral and non-polar, with leucine, which is neutral and non-polar, at codon 2514 of the COL6A3 protein (p.Phe2514Leu). This variant is not present in population databases (gnomAD no frequency). This variant has not been reported in the literature in individuals affected with COL6A3-related conditions. Invitae Evidence Modeling of protein sequence and biophysical properties (such as structural, functional, and spatial information, amino acid conservation, physicochemical variation, residue mobility, and thermodynamic stability) indicates that this missense variant is expected to disrupt COL6A3 protein function with a positive predictive value of 80%. In summary, the available evidence is currently insufficient to determine the role of this variant in disease. Therefore, it has been classified as a Variant of Uncertain Significance.